The following is an entry in ClinVar:

ClinVar aggregate classification (germline): Pathogenic/Likely pathogenic. Review status: criteria provided, multiple submitters, no conflicts (2 of 4 stars). 9 submissions from 8 submitters: Pathogenic (6); Likely pathogenic (2). 1 of the submissions does not count toward it. Last evaluated 2025-12-31.

Conditions:
Leukoencephalopathy with vanishing white matter 2 (VWM2). Also called: Leukoencephalopathy with vanishing white matter 2, with or without ovarian failure; EIF2B2-Related Childhood Ataxia with Central Nervous System Hypomyelination/Vanishing White Matter. Identifiers: MedGen C5830404, MONDO:0957870, OMIM 620312.
EIF2B2-related disorder. Also called: EIF2B2-related condition.
Premature menopause. Identifiers: MedGen C0025322, MONDO:0001119.
Osteogenesis imperfecta (OI). Identifiers: Orphanet 666, MedGen C0029434, MeSH D010013, MONDO:0019019.
Vanishing white matter disease. Also called: CACH syndrome; Childhood ataxia with diffuse central nervous system hypomyelination; Leukoencephalopathy with vanishing white matter; CACH/VWM syndrome; Cree leukoencehalopathy. Identifiers: Orphanet 135, Orphanet 99853, MedGen C1858991, MONDO:0800448.

Allele frequency attached by ClinVar (database versions not stated): TOPMed 0.00001; gnomAD exomes 0.00002 and 0.00001; 1000 Genomes Project 30x 0.00031; 1000 Genomes Project 0.00040; ExAC 0.00001; gnomAD 0.00001.
gnomAD v4.1: 11 of 1,614,170 alleles (0.00068%); highest among the groups gnomAD compares: East Asian, 0.011%; no homozygotes.

Submissions (9):

PreventionGenetics, part of Exact Sciences
Classification: Pathogenic for EIF2B2-related condition. Last evaluated: 2025-12-31. Review status: criteria provided, single submitter. Criteria: ACMG Guidelines, 2015. Collection method: clinical testing. Allele origin: germline.
Comment: The EIF2B2 c.818A>G variant is predicted to result in the amino acid substitution p.Lys273Arg. This variant has been reported in the compound heterozygous state in several individuals with features of leukoencephalopathy with vanishing white matter (Leegwater et al. 2001. PubMed ID: 11704758; Fogli et al. 2004. PubMed ID: 15054402; Liu et al. 2011. PubMed ID: 21560189; Tucker et al. 2018. PubMed ID: 29706645; Supp. Table 1, Deng et al. 2021. PubMed ID: 34745209). Experimental studies indicate this variant impacts protein function (Liu et al. 2011. PubMed ID: 21560189; Fogli et al. 2004. PubMed ID: 15054402). This variant is reported in 0.016% of alleles in individuals of East Asian descent in gnomAD and is interpreted as likely pathogenic or pathogenic by several outside laboratories in ClinVar (ClinVar ID: 495050). This variant is interpreted as pathogenic.

Labcorp Genetics (formerly Invitae), Labcorp
Classification: Pathogenic. Last evaluated: 2025-08-05. Review status: criteria provided, single submitter. Criteria: Invitae Variant Classification Sherloc (09022015). Collection method: clinical testing. Allele origin: germline.
Comment: This sequence change replaces lysine, which is basic and polar, with arginine, which is basic and polar, at codon 273 of the EIF2B2 protein (p.Lys273Arg). This variant is present in population databases (rs113994016, gnomAD 0.006%). This missense change has been observed in individuals with leukoencephalopathy with vanishing white matter (PMID: 11704758, 29706645, 34745209). ClinVar contains an entry for this variant (Variation ID: 495050). Invitae Evidence Modeling of protein sequence and biophysical properties (such as structural, functional, and spatial information, amino acid conservation, physicochemical variation, residue mobility, and thermodynamic stability) indicates that this missense variant is not expected to disrupt EIF2B2 protein function with a negative predictive value of 80%. Experimental studies have shown that this missense change affects EIF2B2 function (PMID: 15054402, 21560189). This variant disrupts the p.Lys273 amino acid residue in EIF2B2. Other variant(s) that disrupt this residue have been observed in individuals with EIF2B2-related conditions (PMID: 22992991, 31438897), which suggests that this may be a clinically significant amino acid residue. For these reasons, this variant has been classified as Pathogenic.

Women's Health and Genetics/Laboratory Corporation of America, LabCorp
Classification: Pathogenic for Vanishing white matter disease. Last evaluated: 2024-03-15. Review status: criteria provided, single submitter. Criteria: LabCorp Variant Classification Summary - May 2015. Collection method: clinical testing. Allele origin: germline.
Comment: Variant summary: EIF2B2 c.818A>G (p.Lys273Arg) results in a conservative amino acid change located in the NagB/RpiA transferase-like (IPR037171) of the encoded protein sequence. Four of five in-silico tools predict a damaging effect of the variant on protein function. The variant allele was found at a frequency of 2e-05 in 251376 control chromosomes. c.818A>G has been reported in the literature in multiple individuals affected with Leukoencephalopathy With Vanishing White Matter (Deng_2021, Fogli_2004, Lebauge_2009, Zhang_2015, Leegwater_2001). These data indicate that the variant is very likely to be associated with disease. At least one publication reports experimental evidence demonstrates an effect on protein function (Liu_20111) . The following publications have been ascertained in the context of this evaluation (PMID: 34745209, 15054402, 19625339, 11704758, 21560189, 29706645, 25761052). ClinVar contains an entry for this variant (Variation ID: 495050). Based on the evidence outlined above, the variant was classified as pathogenic.

Women's Health and Genetics/Laboratory Corporation of America, LabCorp
Classification: Pathogenic for Osteogenesis imperfecta. Last evaluated: 2024-03-15. Review status: criteria provided, single submitter. Criteria: LabCorp Variant Classification Summary - May 2015. Collection method: clinical testing. Allele origin: germline.
Comment: Variant summary: TMEM38B c.818A>G (p.Lys273Arg) results in a conservative amino acid change in the encoded protein sequence. Five of five in-silico tools predict a benign effect of the variant on protein function. The variant allele was found at a frequency of 8.4e-05 in 251216 control chromosomes (gnomAD). This frequency is not significantly higher than estimated for a pathogenic variant in TMEM38B causing Osteogenesis Imperfecta (8.4e-05 vs 0.0011), allowing no conclusion about variant significance. To our knowledge, no occurrence of c.818A>G in individuals affected with Osteogenesis Imperfecta and no experimental evidence demonstrating its impact on protein function have been reported. Two submitters have cited clinical-significance assessments for this variant to ClinVar after 2014. Both submitters classified the variant as uncertain significance. Based on the evidence outlined above, the variant was classified as uncertain significance.

Fulgent Genetics
Classification: Likely pathogenic for Leukoencephalopathy with vanishing white matter 2. Last evaluated: 2024-03-12. Review status: criteria provided, single submitter. Criteria: ACMG Guidelines, 2015. Collection method: clinical testing. Allele origin: germline.

Department of Pathology and Laboratory Medicine, Sinai Health System
Classification: Pathogenic for Leukoencephalopathy with vanishing white matter 2. Last evaluated: 2023-06-22. Review status: criteria provided, single submitter. Criteria: ACMG Guidelines, 2015. Collection method: research. Allele origin: germline.

GeneDx
Classification: Likely pathogenic. Last evaluated: 2022-12-29. Review status: criteria provided, single submitter. Criteria: GeneDx Variant Classification Process June 2021. Collection method: clinical testing. Allele origin: germline. Affected: yes.
Comment: Published functional studies demonstrate a damaging effect on GEF activity (Liu et al., 2011); In silico analysis, which includes protein predictors and evolutionary conservation, supports a deleterious effect; This variant is associated with the following publications: (PMID: 30315562, 21560189, 11704758, 27298454, 16998732, 29706645, 34463036, 34745209)

Juno Genomics, Hangzhou Juno Genomics, Inc
Classification: Pathogenic for Leukoencephalopathy with vanishing white matter 2. Review status: criteria provided, single submitter. Criteria: ACMG Guidelines, 2015. Collection method: clinical testing. Allele origin: germline.
Comment: Absent from controls (or at extremely low frequency if recessive) in Genome Aggregation Database.;Multiple lines of computational evidence support a deleterious effect on the gene or gene product.;For recessive disorders, detected in trans with a pathogenic variant.;Patient's phenotype or family history is highly specific for a disease with a single genetic etiology.

Reproductive Development, Murdoch Childrens Research Institute
Classification: Pathogenic for Premature ovarian insufficiency. Last evaluated: 2017-01-15. Review status: no assertion criteria provided. Collection method: research. Allele origin: paternal, unknown. Affected: yes and no. Observed: 1 heterozygote, 1 compound heterozygote. Not counted in ClinVar's aggregate classification.

Literature cited by the submitters: PubMed 11704758 (cited by Labcorp Genetics (formerly Invitae), Labcorp and Women's Health and Genetics/Laboratory Corporation of America, LabCorp); PubMed 29706645 (cited by 3 submitters); PubMed 34745209 (cited by Labcorp Genetics (formerly Invitae), Labcorp and Women's Health and Genetics/Laboratory Corporation of America, LabCorp); PubMed 15054402 (cited by Labcorp Genetics (formerly Invitae), Labcorp and Women's Health and Genetics/Laboratory Corporation of America, LabCorp); PubMed 21560189 (cited by Labcorp Genetics (formerly Invitae), Labcorp and Women's Health and Genetics/Laboratory Corporation of America, LabCorp); PubMed 22992991 (cited by Labcorp Genetics (formerly Invitae), Labcorp); PubMed 31438897 (cited by Labcorp Genetics (formerly Invitae), Labcorp); PubMed 25761052 (cited by Women's Health and Genetics/Laboratory Corporation of America, LabCorp); PubMed 19625339 (cited by Women's Health and Genetics/Laboratory Corporation of America, LabCorp).

NM_014239.4(EIF2B2):c.818A>G (p.Lys273Arg)

Gene: EIF2B2 (eukaryotic translation initiation factor 2B subunit beta; plus strand). Cytogenetic location: 14q24.3.
Variant type: single nucleotide variant.
Coding change: c.818A>G on transcript NM_014239.4 (MANE Select); coding-DNA position 818, A replaced by G.
Protein change: p.Lys273Arg; replaces lysine 273 with arginine.
Molecular consequence: missense variant.
Genome position (GRCh38, 1-based): chr14:75,006,701, A>G. VCF-style: chr14-75006701-A-G. GRCh37 (hg19) VCF-style: chr14-75473404-A-G.
Other names: short protein forms K273R.
Identifiers: ClinVar variation 495050 (VCV000495050.12), dbSNP rs113994016, ClinGen allele CA7275055.
Genomic context (GRCh38, chr14:75,006,701, plus strand): 5'-CTCTGGCACTGGCAGCAAAACACCATTCCACCCCACTCATCGTCTGTGCACCTATGTTCA[A>G]ACTTTCTCCACAGGTAAGTGTGTCTGTCTCTAGCTAGAAGCCAGCAGAAAAGAAGGAAGC-3'
Protein context (NP_055054.1, residues 263-283): TPLIVCAPMF[Lys273Arg]LSPQFPNEED